The following is an entry in ClinVar:

ClinVar aggregate classification (germline): Likely pathogenic (1 of 4 stars; one submission).

Allele frequency attached by ClinVar (database versions not stated): gnomAD exomes 0.00001; ExAC 0.00002.

Submission:

Dasa
Classification: Likely pathogenic. Last evaluated: 2025-06-02. Review status: criteria provided, single submitter. Criteria: DASA Assertion Criteria. Collection method: clinical testing. Allele origin: germline.
Comment: NM_020549.5(CHAT):c.1468_1469del (p.Glu490Asnfs*20) is a frameshift variant in CHAT predicted to alter the reading frame and introduce a premature termination codon and is predicted to result in an absent or altered protein product. Loss of function is an established disease mechanism for CHAT-associated disorders. Also, this variant is absent from population databases. Based on the currently available evidence, this variant is classified as likely pathogenic.

NM_020549.5(CHAT):c.1468_1469del (p.Glu490fs)

Gene: CHAT (choline O-acetyltransferase; plus strand). Cytogenetic location: 10q11.23.
Variant type: Deletion.
Coding change: c.1468_1469del on transcript NM_020549.5 (MANE Select); coding-DNA positions 1468 to 1469, 2 bases deleted (GA; older notation c.1468_1469delGA).
Protein change: p.Glu490fs; shifts the reading frame from glutamic acid 490.
Molecular consequence: frameshift variant.
Genome position (GRCh38, 1-based): chr10:49,649,593-49,649,594, GA deleted. VCF-style (leftmost placement, unchanged base first): chr10-49649592-GGA-G. GRCh37 (hg19) VCF-style: chr10-50857638-GGA-G.
Other names: c.1114_1115del, p.Glu372fs (NM_001142929.2, NM_001142934.2, NM_020984.4 and 2 more transcripts); c.1222_1223del, p.Glu408fs (NM_001142933.2); short protein forms E372fs, E408fs, E490fs.
Identifiers: ClinVar variation 4886540 (VCV004886540.2), dbSNP rs760039781.